The following is an entry in ClinVar:

NM_014967.5(FAN1):c.2418C>T (p.Asp806=)

Genes: FAN1 (FANCD2 and FANCI associated nuclease 1; plus strand), MTMR10 (myotubularin related protein 10; minus strand). Cytogenetic location: 15q13.3.
Variant type: single nucleotide variant.
Coding change: c.2418C>T on transcript NM_014967.5 (MANE Select); coding-DNA position 2418, C replaced by T.
Protein change: p.Asp806=; no amino-acid change (aspartic acid 806 retained).
Molecular consequence: synonymous variant.
Genome position (GRCh38, 1-based): chr15:30,925,869, C>T. VCF-style: chr15-30925869-C-T. GRCh37 (hg19) VCF-style: chr15-31218072-C-T.
Other names: p.Asp806=.
Identifiers: ClinVar variation 771908 (VCV000771908.42), dbSNP rs143461130, ClinGen allele CA7450610.
Genomic context (GRCh38, chr15:30,925,869, plus strand): 5'-GTGCCCACAGCGTGGGATGTGCAAGTCTGTGTTTGTGATGGAGGCCGGGGAGGCCGCTGA[C>T]CCCACCACGGTCCTGTGCTCTGTGGAGGAGCTGGCACTGGCCCATTACAGACGCAGCGGT-3'
Protein context (NP_055782.3, residues 796-816): VFVMEAGEAA[Asp806=]PTTVLCSVEE

ClinVar aggregate classification (germline): Benign/Likely benign. Review status: criteria provided, multiple submitters, no conflicts (2 of 4 stars). 10 submissions from 10 submitters: Benign (2); Likely benign (3). 5 of the submissions do not count toward it. Last evaluated 2025-12-31.

Conditions:
FAN1-related disorder. Also called: FAN1-related condition.

Allele frequency attached by ClinVar (database versions not stated): 1000 Genomes Project 0.00040; 1000 Genomes Project 30x 0.00047; TOPMed 0.00287; ESP Exome Variant Server 0.00315.
gnomAD v4.1: 6,766 of 1,614,208 alleles (0.42%); highest among the groups gnomAD compares: Non-Finnish European, 0.52%; 20 homozygotes.

Submissions (10):

Labcorp Genetics (formerly Invitae), Labcorp
Classification: Benign. Last evaluated: 2025-12-31. Review status: criteria provided, single submitter. Criteria: Invitae Variant Classification Sherloc (09022015). Collection method: clinical testing. Allele origin: germline.

Mayo Clinic Laboratories, Mayo Clinic
Classification: Likely benign. Last evaluated: 2025-12-04. Review status: criteria provided, single submitter. Criteria: ACMG Guidelines, 2015. Collection method: clinical testing. Allele origin: germline. Observed: 2 variant alleles.
Comment: BS1, BP4, BP7

Blueprint Genetics
Classification: Likely benign. Last evaluated: 2024-11-27. Review status: criteria provided, single submitter. Criteria: ACMG Guidelines, 2015. Collection method: clinical testing. Allele origin: germline.

CeGaT Center for Human Genetics Tuebingen
Classification: Likely benign. Last evaluated: 2023-04-01. Review status: criteria provided, single submitter. Criteria: CeGaT Center For Human Genetics Tuebingen Variant Classification Criteria Version 2. Collection method: clinical testing. Allele origin: germline. Affected: yes. Observed: 2 variant alleles.
Comment: FAN1: BP4, BP7, BS2

Breakthrough Genomics
Classification: Benign. Review status: criteria provided, single submitter. Criteria: ACMG Guidelines, 2015. Collection method: not provided. Allele origin: germline. Inheritance: Autosomal recessive inheritance. Affected: yes.

PreventionGenetics, part of Exact Sciences
Classification: Likely benign for FAN1-related condition. Last evaluated: 2019-04-01. Review status: no assertion criteria provided. Collection method: clinical testing. Allele origin: germline. Not counted in ClinVar's aggregate classification.
Comment: This variant is classified as likely benign based on ACMG/AMP sequence variant interpretation guidelines (Richards et al. 2015 PMID: 25741868, with internal and published modifications).

Clinical Genetics DNA and cytogenetics Diagnostics Lab, Erasmus MC, Erasmus Medical Center
Classification: Likely benign. Review status: no assertion criteria provided. Collection method: clinical testing. Allele origin: germline. Affected: yes. Study: VKGL Data-share Consensus. Not counted in ClinVar's aggregate classification.

Genome Diagnostics Laboratory, Amsterdam University Medical Center
Classification: Likely benign. Review status: no assertion criteria provided. Collection method: clinical testing. Allele origin: germline. Affected: yes. Study: VKGL Data-share Consensus. Not counted in ClinVar's aggregate classification.

Genome Diagnostics Laboratory, University Medical Center Utrecht
Classification: Likely benign. Review status: no assertion criteria provided. Collection method: clinical testing. Allele origin: germline. Affected: yes. Study: VKGL Data-share Consensus. Not counted in ClinVar's aggregate classification.

Laboratory of Diagnostic Genome Analysis, Leiden University Medical Center (LUMC)
Classification: Likely benign. Review status: no assertion criteria provided. Collection method: clinical testing. Allele origin: germline. Affected: yes. Study: VKGL Data-share Consensus. Not counted in ClinVar's aggregate classification.